The following is an entry in ClinVar:

ClinVar aggregate classification (germline): Pathogenic (1 of 4 stars; one submission).

Conditions:
Autosomal recessive limb-girdle muscular dystrophy type 2D (LGMDR3). Also called: ADHALINOPATHY, PRIMARY; MUSCULAR DYSTROPHY, LIMB-GIRDLE, AUTOSOMAL RECESSIVE 3; DUCHENNE-LIKE AUTOSOMAL RECESSIVE MUSCULAR DYSTROPHY, TYPE 2. Identifiers: Orphanet 62, MedGen C2936332, MONDO:0011968, OMIM 608099. Disease mechanism: Affects gamma-sarcoglycan and also disrupts the integrity of the entire sarcoglycan complex..

Submission:

Labcorp Genetics (formerly Invitae), Labcorp
Classification: Pathogenic for Autosomal recessive limb-girdle muscular dystrophy type 2D. Last evaluated: 2021-10-04. Review status: criteria provided, single submitter. Criteria: Invitae Variant Classification Sherloc (09022015). Collection method: clinical testing. Allele origin: germline.
Comment: A gross deletion of the genomic region encompassing the full coding sequence of the SGCA gene has been identified. Loss-of-function variants in SGCA are known to be pathogenic (PMID: 9192266). The boundaries of this event are unknown as they extend beyond the assayed region for this gene and therefore may encompass additional genes. This variant has not been reported in the literature in individuals affected with SGCA-related conditions. For these reasons, this variant has been classified as Pathogenic.

Literature cited by the submitters: PubMed 9192266.

NC_000017.10:g.(?_48243336)_(48253303_?)del

Gene: SGCA (sarcoglycan alpha; plus strand). Cytogenetic location: 17q21.33.
Variant type: Deletion.
Identifiers: ClinVar variation 1459870 (VCV001459870.6).